The following is an entry in ClinVar:

ClinVar aggregate classification (germline): Uncertain significance (1 of 4 stars; one submission).

Conditions:
Inborn genetic diseases. Identifiers: MedGen C0950123, MeSH D030342.

gnomAD v4.1: 7 of 1,613,816 alleles (0.00043%); highest among the groups gnomAD compares: South Asian, 0.0066%; no homozygotes.

Submission:

Ambry Genetics
Classification: Uncertain significance for Inborn genetic diseases. Last evaluated: 2024-06-07. Review status: criteria provided, single submitter. Criteria: Ambry Variant Classification Scheme 2023. Collection method: clinical testing. Allele origin: germline.
Comment: The p.H572Y variant (also known as c.1714C>T), located in coding exon 15 of the LRRK2 gene, results from a C to T substitution at nucleotide position 1714. The histidine at codon 572 is replaced by tyrosine, an amino acid with similar properties. This amino acid position is conserved. In addition, this alteration is predicted to be tolerated by in silico analysis. Based on the available evidence, the clinical significance of this variant remains unclear.

NM_198578.4(LRRK2):c.1714C>T (p.His572Tyr)

Gene: LRRK2 (leucine rich repeat kinase 2; plus strand). Cytogenetic location: 12q12.
Variant type: single nucleotide variant.
Coding change: c.1714C>T on transcript NM_198578.4 (MANE Select); coding-DNA position 1714, C replaced by T.
Protein change: p.His572Tyr; replaces histidine 572 with tyrosine.
Molecular consequence: missense variant.
Genome position (GRCh38, 1-based): chr12:40,274,640, C>T. VCF-style: chr12-40274640-C-T. GRCh37 (hg19) VCF-style: chr12-40668442-C-T.
Other names: short protein forms H572Y.
Identifiers: ClinVar variation 3291858 (VCV003291858.1).